The following is an entry in ClinVar:

NM_001267550.2(TTN):c.28754-11T>C

Gene: TTN (titin; minus strand). Cytogenetic location: 2q31.2.
Variant type: single nucleotide variant.
Coding change: c.28754-11T>C on transcript NM_001267550.2 (MANE Select); 11 bases into the intron before coding-DNA position 28754, T replaced by C.
Molecular consequence: intron variant.
Genome position (GRCh38, 1-based): chr2:178,707,824, A>G on the plus strand (T>C on the coding strand, the complement: TTN is on the minus strand). VCF-style: chr2-178707824-A-G. GRCh37 (hg19) VCF-style: chr2-179572551-A-G.
Other names: c.27803-11T>C (NM_001256850.1); c.13282+30258T>C (NM_003319.4); c.13858+30258T>C (NM_133437.4); c.13657+30258T>C (NM_133432.3); c.25022-11T>C (NM_133378.4).
Identifiers: ClinVar variation 511413 (VCV000511413.17), dbSNP rs146738622, ClinGen allele CA1999525.
Genomic context (GRCh38, chr2:178,707,824, plus strand): 5'-CACTGTTACTGGAGTAAGGTGCTGATCAAATACAGGTGGCTTCTTAGGTTCTGGAATTGA[A>G]AAGGTATTTTCATGAGGAACATAAAGGCAAAAAAGTATTAAATTCCACAAGAGAAACAAA-3'

ClinVar aggregate classification (germline): Conflicting classifications of pathogenicity. Review status: criteria provided, conflicting classifications (1 of 4 stars). 8 submissions from 4 submitters: Uncertain significance (3); Benign (2); Likely benign (3). Last evaluated 2025-12-21.

Conditions:
Autosomal recessive limb-girdle muscular dystrophy type 2J (LGMDR10). Also called: MUSCULAR DYSTROPHY, LIMB-GIRDLE, AUTOSOMAL RECESSIVE 10; Limb-girdle muscular dystrophy, type 2J. Identifiers: Orphanet 140922, MedGen C1837342, MONDO:0012127, OMIM 608807.
Dilated cardiomyopathy 1G (CMD1G). Identifiers: Orphanet 154, MedGen C1858763, MONDO:0011400, OMIM 604145.
Tibial muscular dystrophy (TMD). Also called: Udd Distal Myopathy – Tibial Muscular Dystrophy; Tibial muscular dystrophy, tardive; UDD MYOPATHY. Identifiers: Orphanet 609, MedGen C1838244, MONDO:0010870, OMIM 600334.
Myopathy, myofibrillar, 9, with early respiratory failure (MFM9). Also called: MYOPATHY, PROXIMAL, WITH EARLY RESPIRATORY MUSCLE INVOLVEMENT; Myopathy, distal, with early respiratory failure, autosomal dominant; Hereditary myopathy with early respiratory failure; EDSTROM MYOPATHY. Identifiers: Orphanet 178464, Orphanet 34521, MedGen C1863599, MONDO:0011362, OMIM 603689.
Early-onset myopathy with fatal cardiomyopathy (CMYO5). Also called: Salih Myopathy; CONGENITAL MYOPATHY 5 WITH CARDIOMYOPATHY. Identifiers: Orphanet 289377, MedGen C2673677, MONDO:0012714, OMIM 611705. Disease mechanism: loss of function.

Allele frequency attached by ClinVar (database versions not stated): gnomAD 0.00002 and 0.00005; TOPMed 0.00002; ExAC 0.00006; gnomAD exomes 0.00006 and 0.00011; 1000 Genomes Project 30x 0.00047; 1000 Genomes Project 0.00060.
gnomAD v4.1: 153 of 1,570,470 alleles (0.0097%); highest among the groups gnomAD compares: East Asian, 0.34%; no homozygotes.

Submissions (8):

Labcorp Genetics (formerly Invitae), Labcorp
Classification: Likely benign for Dilated cardiomyopathy 1G; Autosomal recessive limb-girdle muscular dystrophy type 2J. Last evaluated: 2025-12-21. Review status: criteria provided, single submitter. Criteria: Invitae Variant Classification Sherloc (09022015). Collection method: clinical testing. Allele origin: germline.

Women's Health and Genetics/Laboratory Corporation of America, LabCorp
Classification: Likely benign. Last evaluated: 2024-12-12. Review status: criteria provided, single submitter. Criteria: LabCorp Variant Classification Summary - May 2015. Collection method: clinical testing. Allele origin: germline.

GeneDx
Classification: Likely benign. Last evaluated: 2018-07-13. Review status: criteria provided, single submitter. Criteria: GeneDx Variant Classification Process June 2021. Collection method: clinical testing. Allele origin: germline. Affected: yes.

Illumina Laboratory Services, Illumina
Classification: Uncertain significance for Autosomal recessive limb-girdle muscular dystrophy type 2J. Last evaluated: 2018-01-12. Review status: criteria provided, single submitter. Criteria: ICSL Variant Classification Criteria 13 December 2019. Collection method: clinical testing. Allele origin: germline.

Illumina Laboratory Services, Illumina
Classification: Uncertain significance for Early-onset myopathy with fatal cardiomyopathy. Last evaluated: 2018-01-12. Review status: criteria provided, single submitter. Criteria: ICSL Variant Classification Criteria 13 December 2019. Collection method: clinical testing. Allele origin: germline.

Illumina Laboratory Services, Illumina
Classification: Uncertain significance for Dilated cardiomyopathy 1G. Last evaluated: 2018-01-12. Review status: criteria provided, single submitter. Criteria: ICSL Variant Classification Criteria 13 December 2019. Collection method: clinical testing. Allele origin: germline.

Illumina Laboratory Services, Illumina
Classification: Benign for Myopathy, myofibrillar, 9, with early respiratory failure. Last evaluated: 2018-01-12. Review status: criteria provided, single submitter. Criteria: ICSL Variant Classification Criteria 13 December 2019. Collection method: clinical testing. Allele origin: germline.
Comment: This variant was observed in the ICSL laboratory as part of a predisposition screen in an ostensibly healthy population. It had not been previously curated by ICSL or reported in the Human Gene Mutation Database (HGMD: prior to June 1st, 2018), and was therefore a candidate for classification through an automated scoring system. Utilizing variant allele frequency, disease prevalence and penetrance estimates, and inheritance mode, an automated score was calculated to assess if this variant is too frequent to cause the disease. Based on the score and internal cut-off values, a variant classified as benign is not then subjected to further curation. The score for this variant resulted in a classification of benign for this disease.

Illumina Laboratory Services, Illumina
Classification: Benign for Tibial muscular dystrophy. Last evaluated: 2018-01-12. Review status: criteria provided, single submitter. Criteria: ICSL Variant Classification Criteria 13 December 2019. Collection method: clinical testing. Allele origin: germline.
Comment: the same text as in the submission from Illumina Laboratory Services, Illumina above.